The following is an entry in ClinVar:

ClinVar aggregate classification (germline): Pathogenic/Likely pathogenic. Review status: criteria provided, multiple submitters, no conflicts (2 of 4 stars). 2 submissions from 2 submitters: Pathogenic (1); Likely pathogenic (1). Last evaluated 2023-11-15.

Conditions:
Familial cancer of breast. Also called: Hereditary breast cancer; BREAST CANCER, FAMILIAL; hereditary breast carcinoma. Identifiers: Orphanet 227535, MedGen C0346153, MONDO:0016419, OMIM 114480. Disease mechanism: loss of function.

Submissions (2):

Baylor Genetics
Classification: Likely pathogenic for Familial cancer of breast. Last evaluated: 2023-11-15. Review status: criteria provided, single submitter. Criteria: ACMG Guidelines, 2015. Collection method: clinical testing. Allele origin: unknown.

Myriad Genetics, Inc.
Classification: Pathogenic for Familial cancer of breast. Last evaluated: 2023-09-06. Review status: criteria provided, single submitter. Criteria: Myriad Autosomal Dominant, Autosomal Recessive and X-Linked Classification Criteria (2023). Collection method: clinical testing. Allele origin: unknown.
Comment: This variant is considered pathogenic. This variant creates a frameshift predicted to result in premature protein truncation.

NM_024675.4(PALB2):c.261dup (p.Leu88fs)

Gene: PALB2 (partner and localizer of BRCA2; minus strand). Cytogenetic location: 16p12.2.
Variant type: Duplication.
Coding change: c.261dup on transcript NM_024675.4 (MANE Select); coding-DNA position 261, one base duplicated (T; older notation c.261dupT).
Protein change: p.Leu88fs; shifts the reading frame from leucine 88.
Molecular consequence: frameshift variant. On other transcripts: 5 prime UTR variant (8), intron variant (3).
Genome position (GRCh38, 1-based): chr16:23,636,285, A duplicated on the plus strand (T on the coding strand, the reverse complement: PALB2 is on the minus strand). VCF-style (leftmost placement, unchanged base first): chr16-23636284-G-GA. GRCh37 (hg19) VCF-style: chr16-23647605-G-GA.
Other names: c.201dup, p.Leu68fs (NM_001407296.1); c.261dup, p.Leu88fs (NM_001407297.1, NM_001407298.1, NM_001407299.1 and 3 more transcripts); c.-625dup (NM_001407304.1, NM_001407305.1, NM_001407306.1 and 5 more transcripts); c.48+4825dup (NM_001407314.1); c.-105+4825dup (NM_001407313.1, NM_001407312.1); short protein forms L68fs, L88fs.
Identifiers: ClinVar variation 2674042 (VCV002674042.2), dbSNP rs2506518601, ClinGen allele CA2695197557.
Genomic context (GRCh38, chr16:23,636,284, plus strand): 5'-TAAAGGACTCAGGCCCAACATCAAGTGTGATAGATGTCTTTTCTCCAGTTTCTTCATCAA[G>GA]ATGGGTTTTGATGTGTAACTTGTCATAAACACATATTTTATTTTTAGGTTCTGAGGAGGA-3'